The following is an entry in ClinVar:

NM_001012614.2(CTBP1):c.782A>G (p.Glu261Gly)

Genes: CTBP1 (C-terminal binding protein 1; minus strand), CTBP1-AS (CTBP1 antisense RNA; plus strand). Cytogenetic location: 4p16.3.
Variant type: single nucleotide variant.
Coding change: c.782A>G on transcript NM_001012614.2 (MANE Select); coding-DNA position 782, A replaced by G.
Protein change: p.Glu261Gly; replaces glutamic acid 261 with glycine.
Molecular consequence: missense variant.
Genome position (GRCh38, 1-based): chr4:1,214,421, T>C on the plus strand (A>G on the coding strand, the complement: CTBP1 is on the minus strand). VCF-style: chr4-1214421-T-C. GRCh37 (hg19) VCF-style: chr4-1208209-T-C.
Other names: c.815A>G, p.Glu272Gly (NM_001328.3, NM_001377186.1); c.782A>G, p.Glu261Gly (NM_001377187.1, NM_001377188.1, NM_001377189.1 and 4 more transcripts); short protein forms E261G, E272G.
Identifiers: ClinVar variation 2502488 (VCV002502488.1), dbSNP rs748822104, ClinGen allele CA2804299.

ClinVar aggregate classification (germline): Uncertain significance (1 of 4 stars; one submission).

Allele frequency attached by ClinVar (database versions not stated): TOPMed below 0.00001; gnomAD 0.00001; ExAC 0.00002.

Submission:

GeneDx
Classification: Uncertain significance. Last evaluated: 2022-11-18. Review status: criteria provided, single submitter. Criteria: GeneDx Variant Classification Process June 2021. Collection method: clinical testing. Allele origin: germline. Affected: yes.
Comment: In silico analysis supports that this missense variant has a deleterious effect on protein structure/function; Has not been previously published as pathogenic or benign to our knowledge